The following is an entry in ClinVar:

NM_007363.5(NONO):c.1172-11_1172-9del

Gene: NONO (non-POU domain containing octamer binding; plus strand). Cytogenetic location: Xq13.1.
Variant type: Deletion.
Coding change: c.1172-11_1172-9del on transcript NM_007363.5 (MANE Select); 11 bases into the intron before coding-DNA position 1172 through 9 bases into the intron before coding-DNA position 1172, 3 bases deleted (CTC; older notation c.1172-11_1172-9delCTC).
Molecular consequence: intron variant.
Genome position (GRCh38, 1-based): chrX:71,298,696-71,298,698, CTC deleted. VCF-style (leftmost placement, unchanged base first): chrX-71298695-ACTC-A. GRCh37 (hg19) VCF-style: chrX-70518545-ACTC-A.
Other names: c.1172-11_1172-9del (NM_001145408.2, NM_001145409.2); c.905-11_905-9del (NM_001145410.2).
Identifiers: ClinVar variation 1307213 (VCV001307213.6), dbSNP rs759524596, ClinGen allele CA10446183.

ClinVar aggregate classification (germline): Conflicting classifications of pathogenicity. Review status: criteria provided, conflicting classifications (1 of 4 stars). 3 submissions from 3 submitters: Uncertain significance (2); Likely benign (1). Last evaluated 2024-10-05.

Allele frequency attached by ClinVar (database versions not stated): gnomAD exomes below 0.00001; gnomAD 0.00001; TOPMed 0.00001.

Submissions (3):

Labcorp Genetics (formerly Invitae), Labcorp
Classification: Likely benign. Last evaluated: 2024-10-05. Review status: criteria provided, single submitter. Criteria: Invitae Variant Classification Sherloc (09022015). Collection method: clinical testing. Allele origin: germline.

Blueprint Genetics
Classification: Uncertain significance. Last evaluated: 2023-11-13. Review status: criteria provided, single submitter. Criteria: ACMG Guidelines, 2015. Collection method: clinical testing. Allele origin: germline.

GeneDx
Classification: Uncertain significance. Last evaluated: 2019-08-05. Review status: criteria provided, single submitter. Criteria: GeneDx Variant Classification Process June 2021. Collection method: clinical testing. Allele origin: germline. Affected: yes.
Comment: Not observed in large population cohorts (Lek et al., 2016); Has not been previously published as pathogenic or benign to our knowledge; In silico analysis, which includes splice predictors and evolutionary conservation, suggests this variant may impact gene splicing. In the absence of RNA/functional studies, the actual effect of this sequence change is unknown.